The following is an entry in ClinVar:

NM_000059.4(BRCA2):c.6956G>C (p.Arg2319Thr)

Gene: BRCA2 (BRCA2 DNA repair associated; plus strand). Cytogenetic location: 13q13.1.
Variant type: single nucleotide variant.
Coding change: c.6956G>C on transcript NM_000059.4 (MANE Select); coding-DNA position 6956, G replaced by C.
Protein change: p.Arg2319Thr; replaces arginine 2319 with threonine.
Molecular consequence: missense variant.
Genome position (GRCh38, 1-based): chr13:32,346,845, G>C. VCF-style: chr13-32346845-G-C. GRCh37 (hg19) VCF-style: chr13-32920982-G-C.
Other names: short protein forms R2319T.
Identifiers: ClinVar variation 52226 (VCV000052226.26), dbSNP rs80358922, ClinGen allele CA024627.
Genomic context (GRCh38, chr13:32,346,845, plus strand): 5'-TAGATTTTAACTAATATGTAATATAAAATAATTGTTTCCTAGGCACAATAAAAGATCGAA[G>C]ATTGTTTATGCATCATGTTTCTTTAGAGCCGATTACCTGTGTACCCTTTCGGTAAGACAT-3'
Protein context (NP_000050.3, residues 2309-2329): STPDGTIKDR[Arg2319Thr]LFMHHVSLEP

ClinVar aggregate classification (germline): Uncertain significance. Review status: criteria provided, multiple submitters, no conflicts (2 of 4 stars). 9 submissions from 9 submitters: Uncertain significance (7). 2 of the submissions do not count toward it. Last evaluated 2026-06-30.

Conditions:
Hereditary cancer-predisposing syndrome. Also called: Neoplastic Syndromes, Hereditary; Tumor predisposition; Hereditary neoplastic syndrome; Hereditary Cancer Syndrome. Identifiers: Orphanet 140162, MedGen C0027672, MeSH D009386, MONDO:0015356.
Hereditary breast ovarian cancer syndrome. Also called: Hereditary breast and ovarian cancer syndrome (HBOC); Hereditary breast and ovarian cancer syndrome; Breast and ovarian cancer; Hereditary breast and ovarian cancer; Hereditary breast and/or ovarian cancer syndrome; BRCA1- and BRCA2-Associated Hereditary Breast and Ovarian Cancer. Identifiers: Orphanet 145, MedGen C0677776, MeSH D061325, MONDO:0003582. Disease mechanism: loss of function.
Breast-ovarian cancer, familial, susceptibility to, 2 (BROVCA2). Also called: BRCA2 Hereditary Breast and Ovarian Cancer. Identifiers: Orphanet 145, MedGen C2675520, MONDO:0012933, OMIM 612555. Disease mechanism: loss of function.
Familial cancer of breast. Also called: Hereditary breast cancer; BREAST CANCER, FAMILIAL; hereditary breast carcinoma. Identifiers: Orphanet 227535, MedGen C0346153, MONDO:0016419, OMIM 114480. Disease mechanism: loss of function.

Allele frequency attached by ClinVar (database versions not stated): gnomAD exomes below 0.00001.
gnomAD v4.1: 4 of 1,608,692 alleles (0.00025%); highest among the groups gnomAD compares: Non-Finnish European, 0.00034%; no homozygotes.

Submissions (9):

Women's Health and Genetics/Laboratory Corporation of America, LabCorp
Classification: Uncertain significance. Last evaluated: 2026-06-30. Review status: criteria provided, single submitter. Criteria: LabCorp Variant Classification Summary - May 2015. Collection method: clinical testing. Allele origin: germline.
Comment: Variant summary: BRCA2 c.6956G>C (p.Arg2319Thr) results in a non-conservative amino acid change in the encoded protein sequence. Algorithms developed to predict the effect of missense changes on protein structure and function are either unavailable or do not agree on the potential impact of this missense change. The variant was absent in 249918 control chromosomes. The available data on variant occurrences in the general population are insufficient to allow any conclusion about variant significance. c.6956G>C has been observed in individual(s) affected with BRCA2-related conditions without strong evidence for causality (e.g. Lawson-Michod_2025). These report(s) do not provide unequivocal conclusions about association of the variant with disease. At least one publication reports experimental evidence evaluating an impact on protein function showing the variant is not expected to significantly impact protein function in a mESC-based cell-viability assay (e.g. Sahu_2023). The following publications have been ascertained in the context of this evaluation (PMID: 40905821, 37713444). ClinVar contains an entry for this variant (Variation ID: 52226). Based on the evidence outlined above, the variant was classified as uncertain significance.

Labcorp Genetics (formerly Invitae), Labcorp
Classification: Uncertain significance for Hereditary breast ovarian cancer syndrome. Last evaluated: 2025-06-18. Review status: criteria provided, single submitter. Criteria: Invitae Variant Classification Sherloc (09022015). Collection method: clinical testing. Allele origin: germline.
Comment: This sequence change replaces arginine, which is basic and polar, with threonine, which is neutral and polar, at codon 2319 of the BRCA2 protein (p.Arg2319Thr). This variant is not present in population databases (gnomAD no frequency). This variant has not been reported in the literature in individuals affected with BRCA2-related conditions. ClinVar contains an entry for this variant (Variation ID: 52226). Invitae Evidence Modeling of protein sequence and biophysical properties (such as structural, functional, and spatial information, amino acid conservation, physicochemical variation, residue mobility, and thermodynamic stability) indicates that this missense variant is not expected to disrupt BRCA2 protein function with a negative predictive value of 95%. Experimental studies have shown that this missense change does not substantially affect BRCA2 function (PMID: 37713444). In summary, the available evidence is currently insufficient to determine the role of this variant in disease. Therefore, it has been classified as a Variant of Uncertain Significance.

Ambry Genetics
Classification: Uncertain significance for Hereditary cancer-predisposing syndrome. Last evaluated: 2025-02-21. Review status: criteria provided, single submitter. Criteria: Ambry Variant Classification Scheme 2023. Collection method: clinical testing. Allele origin: germline.
Comment: The p.R2319T variant (also known as c.6956G>C), located in coding exon 12 of the BRCA2 gene, results from a G to C substitution at nucleotide position 6956. The arginine at codon 2319 is replaced by threonine, an amino acid with similar properties. This amino acid position is well conserved in available vertebrate species. In addition, the in silico prediction for this alteration is inconclusive. Based on the available evidence, the clinical significance of this variant remains unclear.

Quest Diagnostics Nichols Institute San Juan Capistrano
Classification: Uncertain significance. Last evaluated: 2024-01-05. Review status: criteria provided, single submitter. Criteria: Quest Diagnostics criteria. Collection method: clinical testing. Allele origin: unknown.
Comment: The BRCA2 c.6956G>C (p.Arg2319Thr) variant has been reported in the published literature to be located in a region of the BRCA2 gene that is tolerant to missense sequence changes (PMID: 31911673 (2020)). Additionally, a functional study showed inconclusive results regarding the variant's impact on protein function (PMID: 377134444 (2023)). This variant has not been reported in large, multi-ethnic general populations (Genome Aggregation Database). Analysis of this variant using bioinformatics tools for the prediction of the effect of amino acid changes on protein structure and function yielded predictions that this variant is benign. Based on the available information, we are unable to determine the clinical significance of this variant.

Baylor Genetics
Classification: Uncertain significance for Familial cancer of breast. Last evaluated: 2023-07-18. Review status: criteria provided, single submitter. Criteria: ACMG Guidelines, 2015. Collection method: clinical testing. Allele origin: unknown.

Color Diagnostics, LLC DBA Color Health
Classification: Uncertain significance for Hereditary cancer-predisposing syndrome. Last evaluated: 2019-07-02. Review status: criteria provided, single submitter. Criteria: ACMG Guidelines, 2015. Collection method: clinical testing. Allele origin: germline.
Comment: This missense variant replaces arginine with threonine at codon 2319 of the BRCA2 protein. Computational prediction tools and conservation analyses suggest that this variant may not impact the protein function. Computational splicing tools suggest that this variant may not impact RNA splicing. To our knowledge, functional assays have not been performed for this variant nor has this variant been reported in individuals affected with hereditary cancer in the literature. This variant has not been identified in the general population by the Genome Aggregation Database (gnomAD). Available evidence is insufficient to determine the role of this variant in disease conclusively. Therefore, this variant is classified as a Variant of Uncertain Significance.

GeneDx
Classification: Uncertain significance. Last evaluated: 2019-06-18. Review status: criteria provided, single submitter. Criteria: GeneDx Variant Classification Process June 2021. Collection method: clinical testing. Allele origin: germline. Affected: yes.
Comment: Not observed in large population cohorts (Lek et al., 2016); In silico analysis, which includes protein predictors and evolutionary conservation, supports that this variant does not alter protein structure/function; Has not been previously published as pathogenic or benign to our knowledge

Counsyl
Classification: Uncertain significance for Breast-ovarian cancer, familial, susceptibility to, 2. Last evaluated: 2016-10-19. Review status: no assertion criteria provided. Collection method: clinical testing. Allele origin: unknown. Not counted in ClinVar's aggregate classification.

Breast Cancer Information Core (BIC) (BRCA2)
Classification: Uncertain significance for Breast-ovarian cancer, familial 2. Last evaluated: 2004-02-20. Review status: no assertion criteria provided. Collection method: clinical testing. Allele origin: germline. Affected: yes. Observed: 3 variant alleles. Not counted in ClinVar's aggregate classification.

Literature cited by the submitters: PubMed 37713444 (cited by 3 submitters); PubMed 40905821 (cited by Women's Health and Genetics/Laboratory Corporation of America, LabCorp); PubMed 31131967 (cited by Quest Diagnostics Nichols Institute San Juan Capistrano); PubMed 31911673 (cited by Quest Diagnostics Nichols Institute San Juan Capistrano); PubMed 24817641 (cited by Counsyl).